The following is an entry in ClinVar:

ClinVar aggregate classification (germline): Uncertain significance (1 of 4 stars; one submission).

Submission:

GeneDx
Classification: Uncertain significance. Last evaluated: 2023-05-18. Review status: criteria provided, single submitter. Criteria: GeneDx Variant Classification Process June 2021. Collection method: clinical testing. Allele origin: germline. Affected: yes.
Comment: Not observed at significant frequency in large population cohorts (gnomAD); In silico analysis supports that this missense variant does not alter protein structure/function; Has not been previously published as pathogenic or benign to our knowledge

NM_001555.5(IGSF1):c.923T>C (p.Leu308Pro)

Gene: IGSF1 (immunoglobulin superfamily member 1; minus strand). Cytogenetic location: Xq26.1.
Variant type: single nucleotide variant.
Coding change: c.923T>C on transcript NM_001555.5 (MANE Select); coding-DNA position 923, T replaced by C.
Protein change: p.Leu308Pro; replaces leucine 308 with proline.
Molecular consequence: missense variant.
Genome position (GRCh38, 1-based): chrX:131,283,009, A>G on the plus strand (T>C on the coding strand, the complement: IGSF1 is on the minus strand). VCF-style: chrX-131283009-A-G. GRCh37 (hg19) VCF-style: chrX-130416983-A-G.
Other names: c.923T>C, p.Leu308Pro (NM_001170961.2); c.896T>C, p.Leu299Pro (NM_001170962.2); short protein forms L299P, L308P.
Identifiers: ClinVar variation 3343678 (VCV003343678.1).